The following is an entry in ClinVar:

NM_014363.6(SACS):c.10470T>C (p.Tyr3490=)

Gene: SACS (sacsin molecular chaperone; minus strand). Cytogenetic location: 13q12.12.
Variant type: single nucleotide variant.
Coding change: c.10470T>C on transcript NM_014363.6 (MANE Select); coding-DNA position 10470, T replaced by C.
Protein change: p.Tyr3490=; no amino-acid change (tyrosine 3490 retained).
Molecular consequence: synonymous variant.
Genome position (GRCh38, 1-based): chr13:23,333,406, A>G on the plus strand (T>C on the coding strand, the complement: SACS is on the minus strand). VCF-style: chr13-23333406-A-G. GRCh37 (hg19) VCF-style: chr13-23907545-A-G.
Other names: c.10029T>C, p.Tyr3343= (NM_001278055.2).
Identifiers: ClinVar variation 700179 (VCV000700179.10), dbSNP rs755590920, ClinGen allele CA6910445.

ClinVar aggregate classification (germline): Likely benign. Review status: criteria provided, single submitter (1 of 4 stars). 2 submissions from 2 submitters: Likely benign (1). 1 of the submissions does not count toward it. Last evaluated 2025-11-03.

Conditions:
SACS-related disorder. Also called: SACS-related condition.
Spastic paraplegia. Identifiers: MedGen C0037772, HP:0001258.

Allele frequency attached by ClinVar (database versions not stated): ExAC 0.00001; gnomAD 0.00001; gnomAD exomes 0.00001; TOPMed 0.00002.
gnomAD v4.1: 17 of 1,609,200 alleles (0.0011%); highest among the groups gnomAD compares: Non-Finnish European, 0.0014%; no homozygotes.

Submissions (2):

Labcorp Genetics (formerly Invitae), Labcorp
Classification: Likely benign for Spastic paraplegia. Last evaluated: 2025-11-03. Review status: criteria provided, single submitter. Criteria: Invitae Variant Classification Sherloc (09022015). Collection method: clinical testing. Allele origin: germline.

PreventionGenetics, part of Exact Sciences
Classification: Likely benign for SACS-related condition. Last evaluated: 2022-02-27. Review status: no assertion criteria provided. Collection method: clinical testing. Allele origin: germline. Not counted in ClinVar's aggregate classification.
Comment: This variant is classified as likely benign based on ACMG/AMP sequence variant interpretation guidelines (Richards et al. 2015 PMID: 25741868, with internal and published modifications).